The following is an entry in ClinVar:

NM_000051.4(ATM):c.1903del (p.His635fs)

Gene: ATM (ATM serine/threonine kinase; plus strand). Cytogenetic location: 11q22.3.
Variant type: Deletion.
Coding change: c.1903del on transcript NM_000051.4 (MANE Select); coding-DNA position 1903, one base deleted (C; older notation c.1903delC).
Protein change: p.His635fs; shifts the reading frame from histidine 635.
Molecular consequence: frameshift variant.
Genome position (GRCh38, 1-based): chr11:108,253,818, C deleted. VCF-style (leftmost placement, unchanged base first): chr11-108253817-AC-A. GRCh37 (hg19) VCF-style: chr11-108124544-AC-A.
Other names: c.1903del, p.His635fs (NM_001351834.2); short protein forms H635fs.
Identifiers: ClinVar variation 3148709 (VCV003148709.1), dbSNP rs2080291800, ClinGen allele CA1998772342.
Genomic context (GRCh38, chr11:108,253,817, plus strand): 5'-TATAAGGCAAAGCATTAGGTACTTGGTTTATATATTAAAGATCTTACTTTCTTGAAGTGA[AC>A]ACCACCAAAAAGATAAAGAAGAACTTTCATTCTCAGAAGTAGAAGAACTATTTCTTCAGA-3'

ClinVar aggregate classification (germline): Pathogenic (1 of 4 stars; one submission).

Conditions:
Familial cancer of breast. Also called: BREAST CANCER, FAMILIAL; Hereditary breast cancer; hereditary breast carcinoma. Identifiers: Orphanet 227535, MedGen C0346153, MONDO:0016419, OMIM 114480. Disease mechanism: loss of function.

Submission:

Myriad Genetics, Inc.
Classification: Pathogenic for Familial cancer of breast. Last evaluated: 2024-02-26. Review status: criteria provided, single submitter. Criteria: Myriad Autosomal Dominant, Autosomal Recessive and X-Linked Classification Criteria (2023). Collection method: clinical testing. Allele origin: unknown.
Comment: This variant is considered pathogenic. This variant creates a frameshift predicted to result in premature protein truncation.